The following is an entry in ClinVar:

ClinVar aggregate classification (germline): Uncertain significance (1 of 4 stars; one submission).

Allele frequency attached by ClinVar (database versions not stated): ExAC 0.00001.

Submission:

Ambry Genetics
Classification: Uncertain significance. Last evaluated: 2023-04-25. Review status: criteria provided, single submitter. Criteria: Ambry Variant Classification Scheme 2023. Collection method: clinical testing. Allele origin: germline.
Comment: The p.F500S variant (also known as c.1499T>C), located in coding exon 13 of the BUB1 gene, results from a T to C substitution at nucleotide position 1499. The phenylalanine at codon 500 is replaced by serine, an amino acid with highly dissimilar properties. This amino acid position is conserved. In addition, the in silico prediction for this alteration is inconclusive. Since supporting evidence is limited at this time, the clinical significance of this alteration remains unclear.

NM_004336.5(BUB1):c.1499T>C (p.Phe500Ser)

Gene: BUB1 (BUB1 mitotic checkpoint serine/threonine kinase; minus strand). Cytogenetic location: 2q13.
Variant type: single nucleotide variant.
Coding change: c.1499T>C on transcript NM_004336.5 (MANE Select); coding-DNA position 1499, T replaced by C.
Protein change: p.Phe500Ser; replaces phenylalanine 500 with serine.
Molecular consequence: missense variant.
Genome position (GRCh38, 1-based): chr2:110,658,427, A>G on the plus strand (T>C on the coding strand, the complement: BUB1 is on the minus strand). VCF-style: chr2-110658427-A-G. GRCh37 (hg19) VCF-style: chr2-111416004-A-G.
Other names: c.1439T>C, p.Phe480Ser (NM_001278616.2); c.1499T>C, p.Phe500Ser (NM_001278617.2); short protein forms F480S, F500S.
Identifiers: ClinVar variation 2565798 (VCV002565798.2), dbSNP rs745700852, ClinGen allele CA1828064.